The following is an entry in ClinVar:

NM_006420.3(ARFGEF2):c.4480A>G (p.Met1494Val)

Gene: ARFGEF2 (ARF guanine nucleotide exchange factor 2; plus strand). Cytogenetic location: 20q13.13.
Variant type: single nucleotide variant.
Coding change: c.4480A>G on transcript NM_006420.3 (MANE Select); coding-DNA position 4480, A replaced by G.
Protein change: p.Met1494Val; replaces methionine 1494 with valine.
Molecular consequence: missense variant.
Genome position (GRCh38, 1-based): chr20:49,017,521, A>G. VCF-style: chr20-49017521-A-G. GRCh37 (hg19) VCF-style: chr20-47634058-A-G.
Other names: short protein forms M1494V.
Identifiers: ClinVar variation 338702 (VCV000338702.8), dbSNP rs200763159, ClinGen allele CA9899233.

ClinVar aggregate classification (germline): Uncertain significance. Review status: criteria provided, multiple submitters, no conflicts (2 of 4 stars). 3 submissions from 3 submitters: Uncertain significance (3). Last evaluated 2025-04-29.

Conditions:
Inborn genetic diseases. Identifiers: MedGen C0950123, MeSH D030342.
Periventricular heterotopia with microcephaly, autosomal recessive (ARPHM). Also called: PERIVENTRICULAR NODULAR HETEROTOPIA 2; Periventricular heterotopia with microcephaly. Identifiers: Orphanet 2149, MedGen C1842563, MONDO:0011966, OMIM 608097.

Allele frequency attached by ClinVar (database versions not stated): ExAC 0.00002; gnomAD exomes 0.00002 and 0.00003; TOPMed 0.00005; gnomAD 0.00006 and 0.00007; 1000 Genomes Project 30x 0.00016; 1000 Genomes Project 0.00020.

Submissions (3):

Ambry Genetics
Classification: Uncertain significance for Inborn genetic diseases. Last evaluated: 2025-04-29. Review status: criteria provided, single submitter. Criteria: Ambry Variant Classification Scheme 2023. Collection method: clinical testing. Allele origin: germline.

Labcorp Genetics (formerly Invitae), Labcorp
Classification: Uncertain significance. Last evaluated: 2024-01-24. Review status: criteria provided, single submitter. Criteria: Invitae Variant Classification Sherloc (09022015). Collection method: clinical testing. Allele origin: germline.
Comment: This sequence change replaces methionine, which is neutral and non-polar, with valine, which is neutral and non-polar, at codon 1494 of the ARFGEF2 protein (p.Met1494Val). This variant is present in population databases (rs200763159, gnomAD 0.006%). This variant has not been reported in the literature in individuals affected with ARFGEF2-related conditions. ClinVar contains an entry for this variant (Variation ID: 338702). An algorithm developed to predict the effect of missense changes on protein structure and function (PolyPhen-2) suggests that this variant¬†is likely to be tolerated. In summary, the available evidence is currently insufficient to determine the role of this variant in disease. Therefore, it has been classified as a Variant of Uncertain Significance.

Illumina Laboratory Services, Illumina
Classification: Uncertain significance for Periventricular heterotopia with microcephaly, autosomal recessive. Last evaluated: 2018-01-13. Review status: criteria provided, single submitter. Criteria: ICSL Variant Classification Criteria 13 December 2019. Collection method: clinical testing. Allele origin: germline.